The following is an entry in ClinVar:

ClinVar aggregate classification (germline): Likely benign. Review status: criteria provided, multiple submitters, no conflicts (2 of 4 stars). 3 submissions from 3 submitters: Likely benign (2). 1 of the submissions does not count toward it. Last evaluated 2026-01-07.

Conditions:
LIG1-related disorder. Also called: LIG1-related condition.

Allele frequency attached by ClinVar (database versions not stated): ESP Exome Variant Server 0.00008; gnomAD exomes 0.00014 and 0.00023; gnomAD 0.00016 and 0.00018; ExAC 0.00017; TOPMed 0.00027.
gnomAD v4.1: 243 of 1,605,912 alleles (0.015%); highest among the groups gnomAD compares: Middle Eastern, 0.4%; no homozygotes.

Submissions (3):

Labcorp Genetics (formerly Invitae), Labcorp
Classification: Likely benign. Last evaluated: 2026-01-07. Review status: criteria provided, single submitter. Criteria: Invitae Variant Classification Sherloc (09022015). Collection method: clinical testing. Allele origin: germline.

Blueprint Genetics
Classification: Likely benign. Last evaluated: 2024-11-21. Review status: criteria provided, single submitter. Criteria: ACMG Guidelines, 2015. Collection method: clinical testing. Allele origin: germline.

PreventionGenetics, part of Exact Sciences
Classification: Likely benign for LIG1-related condition. Last evaluated: 2024-03-27. Review status: no assertion criteria provided. Collection method: clinical testing. Allele origin: germline. Not counted in ClinVar's aggregate classification.
Comment: This variant is classified as likely benign based on ACMG/AMP sequence variant interpretation guidelines (Richards et al. 2015 PMID: 25741868, with internal and published modifications).

NM_000234.3(LIG1):c.777-9C>T

Gene: LIG1 (DNA ligase 1; minus strand). Cytogenetic location: 19q13.33.
Variant type: single nucleotide variant.
Coding change: c.777-9C>T on transcript NM_000234.3 (MANE Select); 9 bases into the intron before coding-DNA position 777, C replaced by T.
Molecular consequence: intron variant.
Genome position (GRCh38, 1-based): chr19:48,143,972, G>A on the plus strand (C>T on the coding strand, the complement: LIG1 is on the minus strand). VCF-style: chr19-48143972-G-A. GRCh37 (hg19) VCF-style: chr19-48647229-G-A.
Other names: c.777-9C>T (NM_000234.2); c.684-9C>T (NM_001289063.2); c.687-9C>T (NM_001320971.2); c.573-9C>T (NM_001289064.2); c.774-9C>T (NM_001320970.2).
Identifiers: ClinVar variation 1428027 (VCV001428027.10), dbSNP rs200331136, ClinGen allele CA9547120.